The following is an entry in ClinVar:

ClinVar aggregate classification (germline): Benign. Review status: criteria provided, multiple submitters, no conflicts (2 of 4 stars). 9 submissions from 9 submitters: Benign (8). 1 of the submissions does not count toward it. Last evaluated 2025-03-27.

Conditions:
Autosomal dominant polycystic kidney disease. Identifiers: Orphanet 730, MedGen C0085413, MONDO:0004691.
Polycystic kidney disease, adult type (PKD1). Also called: Polycystic Kidney, Autosomal Dominant; Polycystic Kidney Disease 1, Autosomal Dominant; Polycystic kidney disease 1; Polycystic kidney disease 1, severe; POLYCYSTIC KIDNEY DISEASE 1 WITH OR WITHOUT POLYCYSTIC LIVER DISEASE; POLYCYSTIC KIDNEY DISEASE, ADULT, TYPE I. Identifiers: MedGen C3149841, MONDO:0008263, OMIM 173900.
Polycystic kidney disease. Also called: Polycystic kidney dysplasia; Kidney, Polycystic. Identifiers: MedGen C0022680, MeSH D007690, MONDO:0020642, HP:0000113.

Allele frequency attached by ClinVar (database versions not stated): 1000 Genomes Project 0.22165; 1000 Genomes Project 30x 0.22720; gnomAD 0.24531; TOPMed 0.26370; ESP Exome Variant Server 0.28264.
gnomAD v4.1: 283,398 of 1,612,016 alleles (18%); highest among the groups gnomAD compares: African/African-American, 50%; 30,363 homozygotes.

Submissions (9):

Women's Health and Genetics/Laboratory Corporation of America, LabCorp
Classification: Benign. Last evaluated: 2025-03-27. Review status: criteria provided, single submitter. Criteria: LabCorp Variant Classification Summary - May 2015. Collection method: clinical testing. Allele origin: germline.

Blueprint Genetics
Classification: Benign. Last evaluated: 2024-11-27. Review status: criteria provided, single submitter. Criteria: ACMG Guidelines, 2015. Collection method: clinical testing. Allele origin: germline.

Mayo Clinic Laboratories, Mayo Clinic
Classification: Benign. Last evaluated: 2022-04-26. Review status: criteria provided, single submitter. Criteria: ACMG Guidelines, 2015. Collection method: clinical testing. Allele origin: germline. Observed: 290 variant alleles.

ARUP Laboratories, Molecular Genetics and Genomics, ARUP Laboratories
Classification: Benign for Polycystic kidney disease, adult type. Last evaluated: 2020-07-07. Review status: criteria provided, single submitter. Criteria: ARUP Molecular Germline Variant Investigation Process. Collection method: clinical testing. Allele origin: germline.

GeneDx
Classification: Benign. Last evaluated: 2019-12-19. Review status: criteria provided, single submitter. Criteria: GeneDx Variant Classification Process June 2021. Collection method: clinical testing. Allele origin: germline. Affected: yes.
Comment: This variant is associated with the following publications: (PMID: 22008521)

Molecular Genetics of Inherited Kidney Disorders Laboratory, Garvan Institute of Medical Research
Classification: Benign for Autosomal dominant polycystic kidney disease. Last evaluated: 2019-01-01. Review status: criteria provided, single submitter. Criteria: ACMG Guidelines, 2015. Collection method: research. Allele origin: germline. Affected: yes.

Breakthrough Genomics
Classification: Benign. Review status: criteria provided, single submitter. Criteria: ACMG Guidelines, 2015. Collection method: not provided. Allele origin: germline. Inheritance: Autosomal dominant inheritance. Affected: yes.

PreventionGenetics, part of Exact Sciences
Classification: Benign. Review status: criteria provided, single submitter. Criteria: ACMG Guidelines, 2015. Collection method: clinical testing. Allele origin: germline.

Department of Pathology and Laboratory Medicine, Sinai Health System
Classification: Benign for Polycystic Kidney disease. Review status: no assertion criteria provided. Collection method: clinical testing. Allele origin: unknown. Affected: yes. Observed: 1 variant allele. Study: The Canadian Open Genetics Repository (COGR). Not counted in ClinVar's aggregate classification.
Comment: The c.4665A>C, p.Ala1555Ala variant was identified in 16.87% of 20079 control alleles in the Exome Aggregation Consortium (March 14, 2016). According to ACMG guidelines for variant classification based on allele frequency, category BA1, this variant is considered benign and has not been further reviewed (Richards 2015).

NM_001009944.3(PKD1):c.4665A>C (p.Ala1555=)

Gene: PKD1 (polycystin 1, transient receptor potential channel interacting; minus strand). Cytogenetic location: 16p13.3.
Variant type: single nucleotide variant.
Coding change: c.4665A>C on transcript NM_001009944.3 (MANE Select); coding-DNA position 4665, A replaced by C.
Protein change: p.Ala1555=; no amino-acid change (alanine 1555 retained).
Molecular consequence: synonymous variant.
Genome position (GRCh38, 1-based): chr16:2,110,502, T>G on the plus strand (A>C on the coding strand, the complement: PKD1 is on the minus strand). VCF-style: chr16-2110502-T-G. GRCh37 (hg19) VCF-style: chr16-2160503-T-G.
Other names: p.Ala1555=; c.4665A>C, p.Ala1555= (NM_000296.4).
Identifiers: ClinVar variation 256968 (VCV000256968.19), dbSNP rs71385734, ClinGen allele CA7832294.
Genomic context (GRCh38, chr16:2,110,502, plus strand): 5'-GCCGGCCTCCAGCGACGTGCTGAAGCTCACGCTCCCATTCAGGGGCACCACCGTGCGGCT[T>G]GCATTGACGACGAGCCCCCGCACGCGCCGCTTCACCGTCACATTGAGCCAGGCCTCGCTG-3'
Protein context (NP_001009944.3, residues 1545-1565): KRRVRGLVVN[Ala1555=]SRTVVPLNGS